The following is an entry in ClinVar:

ClinVar aggregate classification (germline): Uncertain significance. Review status: criteria provided, multiple submitters, no conflicts (2 of 4 stars). 2 submissions from 2 submitters: Uncertain significance (2). Last evaluated 2023-08-15.

Conditions:
Inborn genetic diseases. Identifiers: MedGen C0950123, MeSH D030342.
Combined immunodeficiency due to MALT1 deficiency. Also called: Immunodeficiency 12. Identifiers: Orphanet 397964, MedGen C3809583, MONDO:0014197, OMIM 615468.

Allele frequency attached by ClinVar (database versions not stated): gnomAD 0.00011; TOPMed 0.00011.
gnomAD v4.1: 34 of 1,249,392 alleles (0.0027%); highest among the groups gnomAD compares: African/African-American, 0.048%; no homozygotes.

Submissions (2):

Ambry Genetics
Classification: Uncertain significance for Inborn genetic diseases. Last evaluated: 2023-08-15. Review status: criteria provided, single submitter. Criteria: Ambry Variant Classification Scheme 2023. Collection method: clinical testing. Allele origin: germline.

Labcorp Genetics (formerly Invitae), Labcorp
Classification: Uncertain significance for Combined immunodeficiency due to MALT1 deficiency. Last evaluated: 2022-07-19. Review status: criteria provided, single submitter. Criteria: Invitae Variant Classification Sherloc (09022015). Collection method: clinical testing. Allele origin: germline.
Comment: This sequence change replaces serine, which is neutral and polar, with tryptophan, which is neutral and slightly polar, at codon 14 of the MALT1 protein (p.Ser14Trp). This variant is present in population databases (no rsID available, gnomAD 0.03%). This variant has not been reported in the literature in individuals affected with MALT1-related conditions. ClinVar contains an entry for this variant (Variation ID: 848660). Algorithms developed to predict the effect of missense changes on protein structure and function (SIFT, PolyPhen-2, Align-GVGD) all suggest that this variant is likely to be tolerated. In summary, the available evidence is currently insufficient to determine the role of this variant in disease. Therefore, it has been classified as a Variant of Uncertain Significance.

NM_006785.4(MALT1):c.41C>G (p.Ser14Trp)

Genes: MALT1 (MALT1 paracaspase; plus strand), MALT1-AS1 (MALT1 antisense RNA 1; minus strand), LOC130062586 (ATAC-STARR-seq lymphoblastoid silent region 9487; plus strand). Cytogenetic location: 18q21.32.
Variant type: single nucleotide variant.
Coding change: c.41C>G on transcript NM_006785.4 (MANE Select); coding-DNA position 41, C replaced by G.
Protein change: p.Ser14Trp; replaces serine 14 with tryptophan.
Molecular consequence: missense variant. On other transcripts: non-coding transcript variant (1).
Genome position (GRCh38, 1-based): chr18:58,671,684, C>G. VCF-style: chr18-58671684-C-G. GRCh37 (hg19) VCF-style: chr18-56338916-C-G.
Other names: c.41C>G, p.Ser14Trp (NM_173844.3); c.41C>G (NM_006785.2); short protein forms S14W.
Identifiers: ClinVar variation 848660 (VCV000848660.9), dbSNP rs941975162, ClinGen allele CA300934661.
Genomic context (GRCh38, chr18:58,671,684, plus strand): 5'-CGGGGTCGCCGGCGAGGGCCATGTCGCTGTTGGGGGACCCGCTACAGGCCCTGCCGCCCT[C>G]GGCCGCCCCCACGGGGCCGCTGCTCGCCCCTCCGGCCGGCGCGACCCTCAACCGCCTGCG-3'
Protein context (NP_006776.1, residues 4-24): LGDPLQALPP[Ser14Trp]AAPTGPLLAP